The following is an entry in ClinVar:

NM_019042.5(PUS7):c.538G>A (p.Glu180Lys)

Gene: PUS7 (pseudouridine synthase 7; minus strand). Cytogenetic location: 7q22.3.
Variant type: single nucleotide variant.
Coding change: c.538G>A on transcript NM_019042.5 (MANE Select); coding-DNA position 538, G replaced by A.
Protein change: p.Glu180Lys; replaces glutamic acid 180 with lysine.
Molecular consequence: missense variant.
Genome position (GRCh38, 1-based): chr7:105,506,002, C>T on the plus strand (G>A on the coding strand, the complement: PUS7 is on the minus strand). VCF-style: chr7-105506002-C-T. GRCh37 (hg19) VCF-style: chr7-105146449-C-T.
Other names: c.538G>A, p.Glu180Lys (NM_001318163.1, NM_001318164.2); short protein forms E180K.
Identifiers: ClinVar variation 2363841 (VCV002363841.27), dbSNP rs544766570, ClinGen allele CA4426158.

ClinVar aggregate classification (germline): Likely benign. Review status: criteria provided, multiple submitters, no conflicts (2 of 4 stars). 3 submissions from 3 submitters: Likely benign (2). 1 of the submissions does not count toward it. Last evaluated 2026-02-01.

Conditions:
PUS7-related disorder. Also called: PUS7-related condition.
Inborn genetic diseases. Identifiers: MedGen C0950123, MeSH D030342.

Allele frequency attached by ClinVar (database versions not stated): TOPMed 0.00005; gnomAD 0.00029; gnomAD exomes 0.00034; ExAC 0.00083; 1000 Genomes Project 0.00160; 1000 Genomes Project 30x 0.00172.
gnomAD v4.1: 547 of 1,613,914 alleles (0.034%); highest among the groups gnomAD compares: South Asian, 0.57%; 6 homozygotes.

Submissions (3):

CeGaT Center for Human Genetics Tuebingen
Classification: Likely benign. Last evaluated: 2026-02-01. Review status: criteria provided, single submitter. Criteria: CeGaT Center For Human Genetics Tuebingen Variant Classification Criteria Version 2. Collection method: clinical testing. Allele origin: germline. Affected: yes. Observed: 2 variant alleles.
Comment: PUS7: BP4

Ambry Genetics
Classification: Likely benign for Inborn genetic diseases. Last evaluated: 2022-12-15. Review status: criteria provided, single submitter. Criteria: Ambry Variant Classification Scheme 2023. Collection method: clinical testing. Allele origin: germline.

PreventionGenetics, part of Exact Sciences
Classification: Likely benign for PUS7-related condition. Last evaluated: 2019-08-01. Review status: no assertion criteria provided. Collection method: clinical testing. Allele origin: germline. Not counted in ClinVar's aggregate classification.
Comment: This variant is classified as likely benign based on ACMG/AMP sequence variant interpretation guidelines (Richards et al. 2015 PMID: 25741868, with internal and published modifications).